The following is an entry in ClinVar:

NM_001127222.2(CACNA1A):c.6067G>T (p.Gly2023Cys)

Gene: CACNA1A (calcium voltage-gated channel subunit alpha1 A; minus strand). Cytogenetic location: 19p13.13.
Variant type: single nucleotide variant.
Coding change: c.6067G>T on transcript NM_001127222.2 (MANE Select); coding-DNA position 6067, G replaced by T.
Protein change: p.Gly2023Cys; replaces glycine 2023 with cysteine.
Molecular consequence: missense variant.
Genome position (GRCh38, 1-based): chr19:13,212,506, C>A on the plus strand (G>T on the coding strand, the complement: CACNA1A is on the minus strand). VCF-style: chr19-13212506-C-A. GRCh37 (hg19) VCF-style: chr19-13323320-C-A.
Other names: c.6085G>T, p.Gly2029Cys (NM_000068.4, NM_023035.3); c.6070G>T, p.Gly2024Cys (NM_001127221.2); c.6076G>T, p.Gly2026Cys (NM_001174080.2); short protein forms G2026C, G2029C, G2023C, G2024C.
Identifiers: ClinVar variation 839105 (VCV000839105.10), dbSNP rs574805525, ClinGen allele CA404333114.

ClinVar aggregate classification (germline): Uncertain significance (1 of 4 stars; one submission).

Conditions:
Developmental and epileptic encephalopathy, 42 (DEE42A). Also called: Epileptic encephalopathy, early infantile, 42; DEVELOPMENTAL AND EPILEPTIC ENCEPHALOPATHY 42A; EPILEPTIC ENCEPHALOPATHY, EARLY INFANTILE, 42A. Identifiers: MedGen C4310716, MONDO:0014917, OMIM 617106.
Episodic ataxia type 2 (EA2). Also called: EPISODIC ATAXIA, NYSTAGMUS-ASSOCIATED; ACETAZOLAMIDE-RESPONSIVE HEREDITARY PAROXYSMAL CEREBELLAR ATAXIA; ATAXIA, EPISODIC, WITH NYSTAGMUS; ATAXIA, FAMILIAL PAROXYSMAL; CEREBELLAR ATAXIA, PAROXYSMAL, ACETAZOLAMIDE-RESPONSIVE; CEREBELLOPATHY, HEREDITARY PAROXYSMAL. Identifiers: Orphanet 97, MedGen C1720416, MONDO:0007163, OMIM 108500.

gnomAD v4.1: 1 of 1,576,262 alleles (0.000063%); no homozygotes.

Submission:

Labcorp Genetics (formerly Invitae), Labcorp
Classification: Uncertain significance for Developmental and epileptic encephalopathy, 42; Episodic ataxia type 2. Last evaluated: 2024-02-17. Review status: criteria provided, single submitter. Criteria: Invitae Variant Classification Sherloc (09022015). Collection method: clinical testing. Allele origin: germline.
Comment: This sequence change replaces glycine, which is neutral and non-polar, with cysteine, which is neutral and slightly polar, at codon 2024 of the CACNA1A protein (p.Gly2024Cys). This variant is not present in population databases (gnomAD no frequency). This variant has not been reported in the literature in individuals affected with CACNA1A-related conditions. ClinVar contains an entry for this variant (Variation ID: 839105). Advanced modeling of protein sequence and biophysical properties (such as structural, functional, and spatial information, amino acid conservation, physicochemical variation, residue mobility, and thermodynamic stability) performed at Invitae indicates that this missense variant is not expected to disrupt CACNA1A protein function with a negative predictive value of 95%. In summary, the available evidence is currently insufficient to determine the role of this variant in disease. Therefore, it has been classified as a Variant of Uncertain Significance.